The following is an entry in ClinVar:

ClinVar aggregate classification (germline): Uncertain significance (1 of 4 stars; one submission).

Submission:

Labcorp Genetics (formerly Invitae), Labcorp
Classification: Uncertain significance. Last evaluated: 2024-04-01. Review status: criteria provided, single submitter. Criteria: Invitae Variant Classification Sherloc (09022015). Collection method: clinical testing. Allele origin: germline.
Comment: This sequence change affects codon 343 of the COL4A3 mRNA. It is a 'silent' change, meaning that it does not change the encoded amino acid sequence of the COL4A3 protein. It affects a nucleotide within the consensus splice site. This variant is not present in population databases (gnomAD no frequency). This variant has not been reported in the literature in individuals affected with COL4A3-related conditions. Algorithms developed to predict the effect of sequence changes on RNA splicing suggest that this variant is not likely to affect RNA splicing. In summary, the available evidence is currently insufficient to determine the role of this variant in disease. Therefore, it has been classified as a Variant of Uncertain Significance.

NM_000091.5(COL4A3):c.1029A>C (p.Pro343=)

Genes: COL4A3 (collagen type IV alpha 3 chain; plus strand), MFF-DT (MFF divergent transcript; minus strand). Cytogenetic location: 2q36.3.
Variant type: single nucleotide variant.
Coding change: c.1029A>C on transcript NM_000091.5 (MANE Select); coding-DNA position 1029, A replaced by C.
Protein change: p.Pro343=; no amino-acid change (proline 343 retained).
Molecular consequence: synonymous variant.
Genome position (GRCh38, 1-based): chr2:227,257,644, A>C. VCF-style: chr2-227257644-A-C. GRCh37 (hg19) VCF-style: chr2-228122360-A-C.
Identifiers: ClinVar variation 2976798 (VCV002976798.3), dbSNP rs2469594167, ClinGen allele CA431510504.